The following is an entry in ClinVar:

NM_004813.4(PEX16):c.307G>A (p.Val103Met)

Gene: PEX16 (peroxisomal biogenesis factor 16; minus strand). Cytogenetic location: 11p11.2.
Variant type: single nucleotide variant.
Coding change: c.307G>A on transcript NM_004813.4 (MANE Select); coding-DNA position 307, G replaced by A.
Protein change: p.Val103Met; replaces valine 103 with methionine.
Molecular consequence: missense variant.
Genome position (GRCh38, 1-based): chr11:45,915,755, C>T on the plus strand (G>A on the coding strand, the complement: PEX16 is on the minus strand). VCF-style: chr11-45915755-C-T. GRCh37 (hg19) VCF-style: chr11-45937306-C-T.
Other names: c.307G>A, p.Val103Met (NM_057174.3); short protein forms V103M.
Identifiers: ClinVar variation 259544 (VCV000259544.23), dbSNP rs11553094, ClinGen allele CA5960021.
Genomic context (GRCh38, chr11:45,915,755, plus strand): 5'-CAACCTACTTGGCCAGCTGGACGAGGGCGATGACAAGCCAGCGGCCCACTTCACCCCACA[C>T]CTTGGCAGCTCCCATCTCCATGAACACCTCCACGCACTCCAGCACGCTCAGCCATGTCAG-3'
Protein context (NP_004804.2, residues 93-113): EVFMEMGAAK[Val103Met]WGEVGRWLVI

ClinVar aggregate classification (germline): Benign/Likely benign. Review status: criteria provided, multiple submitters, no conflicts (2 of 4 stars). 6 submissions from 6 submitters: Benign (3); Likely benign (2). 1 of the submissions does not count toward it. Last evaluated 2026-02-04.

Conditions:
Peroxisome biogenesis disorder 8A (Zellweger). Also called: Peroxisome biogenesis disorder 8A. Identifiers: Orphanet 912, MedGen C3553959, MONDO:0013942, OMIM 614876.
Peroxisome biogenesis disorder. Identifiers: Orphanet 79189, MedGen C1832200, MONDO:0019234. Disease mechanism: loss of function.

Allele frequency attached by ClinVar (database versions not stated): ESP Exome Variant Server 0.01976; 1000 Genomes Project 0.01318; 1000 Genomes Project 30x 0.01390; gnomAD 0.01821; TOPMed 0.01899.
gnomAD v4.1: 41,457 of 1,613,992 alleles (2.6%); highest among the groups gnomAD compares: Middle Eastern, 6%; 634 homozygotes.

Submissions (33):

Labcorp Genetics (formerly Invitae), Labcorp
Classification: Benign for Peroxisome biogenesis disorder. Last evaluated: 2026-02-04. Review status: criteria provided, single submitter. Criteria: Invitae Variant Classification Sherloc (09022015). Collection method: clinical testing. Allele origin: germline.

GeneDx
Classification: Likely benign. Last evaluated: 2023-03-31. Review status: criteria provided, single submitter. Criteria: GeneDx Variant Classification Process June 2021. Collection method: clinical testing. Allele origin: germline. Affected: yes.
Comment: See Variant Classification Assertion Criteria.

Illumina Laboratory Services, Illumina
Classification: Benign for Peroxisome biogenesis disorder 8A (Zellweger). Last evaluated: 2018-01-13. Review status: criteria provided, single submitter. Criteria: ICSL Variant Classification Criteria 13 December 2019. Collection method: clinical testing. Allele origin: germline.
Comment: This variant was observed in the ICSL laboratory as part of a predisposition screen in an ostensibly healthy population. It had not been previously curated by ICSL or reported in the Human Gene Mutation Database (HGMD: prior to June 1st, 2018), and was therefore a candidate for classification through an automated scoring system. Utilizing variant allele frequency, disease prevalence and penetrance estimates, and inheritance mode, an automated score was calculated to assess if this variant is too frequent to cause the disease. Based on the score and internal cut-off values, a variant classified as benign is not then subjected to further curation. The score for this variant resulted in a classification of benign for this disease.

Breakthrough Genomics
Classification: Likely benign. Review status: criteria provided, single submitter. Criteria: ACMG Guidelines, 2015. Collection method: not provided. Allele origin: germline. Inheritance: Autosomal recessive inheritance. Affected: yes.

PreventionGenetics, part of Exact Sciences
Classification: Benign. Review status: criteria provided, single submitter. Criteria: ACMG Guidelines, 2015. Collection method: clinical testing. Allele origin: germline.

Mayo Clinic Laboratories, Mayo Clinic
Classification: Benign. Last evaluated: 2015-12-15. Review status: no assertion criteria provided. Collection method: clinical testing. Allele origin: unknown. Not counted in ClinVar's aggregate classification.

Dr. Peter K. Rogan Lab, Western University
No classification provided (evidence only). Condition: Melanoma. Review status: no classification provided. Collection method: in vitro. Allele origin: not applicable. Functional consequence: skipped exon. Not counted in ClinVar's aggregate classification.

Dr. Peter K. Rogan Lab, Western University
No classification provided (evidence only). Condition: Melanoma. Review status: no classification provided. Collection method: in vitro. Allele origin: not applicable. Functional consequence: retained intron. Not counted in ClinVar's aggregate classification.

Dr. Peter K. Rogan Lab, Western University
No classification provided (evidence only). Condition: Acute myeloid leukemia. Review status: no classification provided. Collection method: in vitro. Allele origin: not applicable. Functional consequence: skipped exon. Not counted in ClinVar's aggregate classification.

Dr. Peter K. Rogan Lab, Western University
No classification provided (evidence only). Condition: Acute myeloid leukemia. Review status: no classification provided. Collection method: in vitro. Allele origin: not applicable. Functional consequence: skipped exon. Not counted in ClinVar's aggregate classification.

Dr. Peter K. Rogan Lab, Western University
No classification provided (evidence only). Condition: Colorectal cancer. Review status: no classification provided. Collection method: in vitro. Allele origin: not applicable. Functional consequence: retained intron. Not counted in ClinVar's aggregate classification.

Dr. Peter K. Rogan Lab, Western University
No classification provided (evidence only). Condition: Uterine corpus endometrial carcinoma. Review status: no classification provided. Collection method: in vitro. Allele origin: not applicable. Functional consequence: retained intron. Not counted in ClinVar's aggregate classification.

Dr. Peter K. Rogan Lab, Western University
No classification provided (evidence only). Condition: Cervical cancer. Review status: no classification provided. Collection method: in vitro. Allele origin: not applicable. Functional consequence: skipped exon. Not counted in ClinVar's aggregate classification.

Dr. Peter K. Rogan Lab, Western University
No classification provided (evidence only). Condition: Hepatocellular carcinoma. Review status: no classification provided. Collection method: in vitro. Allele origin: not applicable. Functional consequence: skipped exon. Not counted in ClinVar's aggregate classification.

Dr. Peter K. Rogan Lab, Western University
No classification provided (evidence only). Condition: Hepatocellular carcinoma. Review status: no classification provided. Collection method: in vitro. Allele origin: not applicable. Functional consequence: skipped exon. Not counted in ClinVar's aggregate classification.

Dr. Peter K. Rogan Lab, Western University
No classification provided (evidence only). Condition: Hepatocellular carcinoma. Review status: no classification provided. Collection method: in vitro. Allele origin: not applicable. Functional consequence: skipped exon. Not counted in ClinVar's aggregate classification.

Dr. Peter K. Rogan Lab, Western University
No classification provided (evidence only). Condition: Hepatocellular carcinoma. Review status: no classification provided. Collection method: in vitro. Allele origin: not applicable. Functional consequence: retained intron. Not counted in ClinVar's aggregate classification.

Dr. Peter K. Rogan Lab, Western University
No classification provided (evidence only). Condition: Nonpapillary renal cell carcinoma. Review status: no classification provided. Collection method: in vitro. Allele origin: not applicable. Functional consequence: retained intron. Not counted in ClinVar's aggregate classification.

Dr. Peter K. Rogan Lab, Western University
No classification provided (evidence only). Condition: Nonpapillary renal cell carcinoma. Review status: no classification provided. Collection method: in vitro. Allele origin: not applicable. Functional consequence: skipped exon. Not counted in ClinVar's aggregate classification.

Dr. Peter K. Rogan Lab, Western University
No classification provided (evidence only). Condition: Gastric cancer. Review status: no classification provided. Collection method: in vitro. Allele origin: not applicable. Functional consequence: retained intron. Not counted in ClinVar's aggregate classification.

Dr. Peter K. Rogan Lab, Western University
No classification provided (evidence only). Condition: Gastric cancer. Review status: no classification provided. Collection method: in vitro. Allele origin: not applicable. Functional consequence: retained intron. Not counted in ClinVar's aggregate classification.

Dr. Peter K. Rogan Lab, Western University
No classification provided (evidence only). Condition: Gastric cancer. Review status: no classification provided. Collection method: in vitro. Allele origin: not applicable. Functional consequence: retained intron. Not counted in ClinVar's aggregate classification.

Dr. Peter K. Rogan Lab, Western University
No classification provided (evidence only). Condition: Gastric cancer. Review status: no classification provided. Collection method: in vitro. Allele origin: not applicable. Functional consequence: retained intron. Not counted in ClinVar's aggregate classification.

Dr. Peter K. Rogan Lab, Western University
No classification provided (evidence only). Condition: Gastric cancer. Review status: no classification provided. Collection method: in vitro. Allele origin: not applicable. Functional consequence: retained intron. Not counted in ClinVar's aggregate classification.

Dr. Peter K. Rogan Lab, Western University
No classification provided (evidence only). Condition: Gastric cancer. Review status: no classification provided. Collection method: in vitro. Allele origin: not applicable. Functional consequence: retained intron. Not counted in ClinVar's aggregate classification.

Dr. Peter K. Rogan Lab, Western University
No classification provided (evidence only). Condition: Gastric cancer. Review status: no classification provided. Collection method: in vitro. Allele origin: not applicable. Functional consequence: retained intron. Not counted in ClinVar's aggregate classification.

Dr. Peter K. Rogan Lab, Western University
No classification provided (evidence only). Condition: Gastric cancer. Review status: no classification provided. Collection method: in vitro. Allele origin: not applicable. Functional consequence: retained intron. Not counted in ClinVar's aggregate classification.

Dr. Peter K. Rogan Lab, Western University
No classification provided (evidence only). Condition: Gastric cancer. Review status: no classification provided. Collection method: in vitro. Allele origin: not applicable. Functional consequence: retained intron. Not counted in ClinVar's aggregate classification.

Dr. Peter K. Rogan Lab, Western University
No classification provided (evidence only). Condition: Adrenocortical carcinoma, hereditary. Review status: no classification provided. Collection method: in vitro. Allele origin: not applicable. Functional consequence: retained intron. Not counted in ClinVar's aggregate classification.

Dr. Peter K. Rogan Lab, Western University
No classification provided (evidence only). Condition: Uveal melanoma. Review status: no classification provided. Collection method: in vitro. Allele origin: not applicable. Functional consequence: retained intron. Not counted in ClinVar's aggregate classification.

Dr. Peter K. Rogan Lab, Western University
No classification provided (evidence only). Condition: Malignant tumor of esophagus. Review status: no classification provided. Collection method: in vitro. Allele origin: not applicable. Functional consequence: retained intron. Not counted in ClinVar's aggregate classification.

Dr. Peter K. Rogan Lab, Western University
No classification provided (evidence only). Condition: Malignant tumor of esophagus. Review status: no classification provided. Collection method: in vitro. Allele origin: not applicable. Functional consequence: retained intron. Not counted in ClinVar's aggregate classification.

Dr. Peter K. Rogan Lab, Western University
No classification provided (evidence only). Condition: Malignant tumor of esophagus. Review status: no classification provided. Collection method: in vitro. Allele origin: not applicable. Functional consequence: retained intron. Not counted in ClinVar's aggregate classification.